The following is an entry in ClinVar:

ClinVar aggregate classification (germline): Benign (1 of 4 stars; one submission).

Conditions:
Focal segmental glomerulosclerosis 2 (FSGS2). Identifiers: Orphanet 656, MedGen C1858915, MONDO:0011390, OMIM 603965.

Allele frequency attached by ClinVar (database versions not stated): TOPMed 0.00003; gnomAD 0.00004 and 0.00005; gnomAD exomes 0.00006 and 0.00007; ExAC 0.00007; 1000 Genomes Project 30x 0.00016; 1000 Genomes Project 0.00020.
gnomAD v4.1: 101 of 1,613,972 alleles (0.0063%); highest among the groups gnomAD compares: Middle Eastern, 0.05%; 1 homozygote.

Submission:

Illumina Laboratory Services, Illumina
Classification: Benign for Focal segmental glomerulosclerosis 2. Last evaluated: 2018-01-13. Review status: criteria provided, single submitter. Criteria: ICSL Variant Classification Criteria 13 December 2019. Collection method: clinical testing. Allele origin: germline.
Comment: This variant was observed in the ICSL laboratory as part of a predisposition screen in an ostensibly healthy population. It had not been previously curated by ICSL or reported in the Human Gene Mutation Database (HGMD: prior to June 1st, 2018), and was therefore a candidate for classification through an automated scoring system. Utilizing variant allele frequency, disease prevalence and penetrance estimates, and inheritance mode, an automated score was calculated to assess if this variant is too frequent to cause the disease. Based on the score and internal cut-off values, a variant classified as benign is not then subjected to further curation. The score for this variant resulted in a classification of benign for this disease.

NM_004621.6(TRPC6):c.1677C>T (p.Asp559=)

Gene: TRPC6 (transient receptor potential cation channel subfamily C member 6; minus strand). Cytogenetic location: 11q22.1.
Variant type: single nucleotide variant.
Coding change: c.1677C>T on transcript NM_004621.6 (MANE Select); coding-DNA position 1677, C replaced by T.
Protein change: p.Asp559=; no amino-acid change (aspartic acid 559 retained).
Molecular consequence: synonymous variant.
Genome position (GRCh38, 1-based): chr11:101,476,368, G>A on the plus strand (C>T on the coding strand, the complement: TRPC6 is on the minus strand). VCF-style: chr11-101476368-G-A. GRCh37 (hg19) VCF-style: chr11-101347099-G-A.
Identifiers: ClinVar variation 301906 (VCV000301906.5), dbSNP rs552837414, ClinGen allele CA6244288.